The following is an entry in ClinVar:

NM_003743.5(NCOA1):c.2482C>T (p.Pro828Ser)

Gene: NCOA1 (nuclear receptor coactivator 1; plus strand). Cytogenetic location: 2p23.3.
Variant type: single nucleotide variant.
Coding change: c.2482C>T on transcript NM_003743.5 (MANE Select); coding-DNA position 2482, C replaced by T.
Protein change: p.Pro828Ser; replaces proline 828 with serine.
Molecular consequence: missense variant.
Genome position (GRCh38, 1-based): chr2:24,710,994, C>T. VCF-style: chr2-24710994-C-T. GRCh37 (hg19) VCF-style: chr2-24933863-C-T.
Other names: c.2482C>T, p.Pro828Ser (NM_001362950.1, NM_001362952.1, NM_001362954.1 and 3 more transcripts); short protein forms P828S.
Identifiers: ClinVar variation 4986615 (VCV004986615.1).

ClinVar aggregate classification (germline): Uncertain significance (1 of 4 stars; one submission).

Conditions:
NCOA1-related disorder. Also called: NCOA1-related condition.

gnomAD v4.1: 5 of 1,614,160 alleles (0.00031%); highest among the groups gnomAD compares: East Asian, 0.0022%; no homozygotes.

Submission:

PreventionGenetics, part of Exact Sciences
Classification: Uncertain significance for NCOA1-related condition. Last evaluated: 2026-07-13. Review status: criteria provided, single submitter. Criteria: ACMG Guidelines, 2015. Collection method: clinical testing. Allele origin: germline.
Comment: The NCOA1 c.2482C>T variant is predicted to result in the amino acid substitution p.Pro828Ser. To our knowledge, this variant has not been reported in the literature or in a large population database (gnomAD), indicating this variant is rare. At this time, the clinical significance of this variant is uncertain due to the absence of conclusive functional and genetic evidence.